The following is an entry in ClinVar:

ClinVar aggregate classification (germline): Likely pathogenic (1 of 4 stars; one submission).

Conditions:
Marfan syndrome (MFS). Also called: MARFAN SYNDROME, TYPE I; Marfan syndrome type 1; Marfan's syndrome; Marfan syndrome, classic; FBN1-Related Marfan Syndrome. Identifiers: Orphanet 284963, Orphanet 558, MedGen C0024796, MONDO:0007947, OMIM 154700.

Submission:

Clinical and Biomedical Sciences, University of Exeter
Classification: Likely pathogenic for Marfan syndrome. Last evaluated: 2025-02-28. Review status: criteria provided, single submitter. Criteria: ACMG Guidelines, 2015. Collection method: research. Allele origin: germline. Affected: yes. Study: 100,000 Genomes Project.
Comment: Minigene assay confirms that the variant introduces an earlier (and seemingly stronger/preferable) acceptor splice site that extends the exon 50 by 13bp, r.6037_6038insgugauucuuuuag, p.(Asp2013GlyfsTer7). This alters the reading frame and leads to several downstream stop codons. PaxGene blood RNA and RT-PCR performed in duplicate and compared to 5 controls shows weaker band consistent with NMD.

NM_000138.5(FBN1):c.6038-14T>G

Gene: FBN1 (fibrillin 1; minus strand). Cytogenetic location: 15q21.1.
Variant type: single nucleotide variant.
Coding change: c.6038-14T>G on transcript NM_000138.5 (MANE Select); 14 bases into the intron before coding-DNA position 6038, T replaced by G.
Molecular consequence: intron variant.
Genome position (GRCh38, 1-based): chr15:48,441,860, A>C on the plus strand (T>G on the coding strand, the complement: FBN1 is on the minus strand). VCF-style: chr15-48441860-A-C. GRCh37 (hg19) VCF-style: chr15-48734057-A-C.
Other names: c.6038-14T>G (NM_001406716.1).
Identifiers: ClinVar variation 3769622 (VCV003769622.1).